The following is an entry in ClinVar:

NM_001288739.2(DNM1):c.1330G>A (p.Glu444Lys)

Gene: DNM1 (dynamin 1; plus strand). Cytogenetic location: 9q34.11.
Variant type: single nucleotide variant.
Coding change: c.1330G>A on transcript NM_001288739.2 (MANE Plus Clinical); coding-DNA position 1330, G replaced by A.
Protein change: p.Glu444Lys; replaces glutamic acid 444 with lysine.
Molecular consequence: missense variant. On other transcripts: intron variant (3).
Genome position (GRCh38, 1-based): chr9:128,226,168, G>A. VCF-style: chr9-128226168-G-A. GRCh37 (hg19) VCF-style: chr9-130988447-G-A.
Other names: c.1330G>A, p.Glu444Lys (NM_001288737.2, NM_001288738.2); c.1335+1779G>A (NM_001005336.3, NM_001374269.1, NM_004408.4); short protein forms E444K.
Identifiers: ClinVar variation 4887846 (VCV004887846.2).

ClinVar aggregate classification (germline): Conflicting classifications of pathogenicity. Review status: criteria provided, conflicting classifications (1 of 4 stars). 2 submissions from 2 submitters: Uncertain significance (1); Likely benign (1). Last evaluated 2026-01-30.

gnomAD v4.1: 71 of 1,612,742 alleles (0.0044%); highest among the groups gnomAD compares: Admixed American, 0.035%; no homozygotes.

Submissions (2):

GeneDx
Classification: Uncertain significance. Last evaluated: 2026-01-30. Review status: criteria provided, single submitter. Criteria: GeneDx Variant Classification Process June 2021. Collection method: clinical testing. Allele origin: germline.
Comment: In silico analysis suggests that this missense variant does not alter protein structure/function; Has not been previously published as pathogenic or benign to our knowledge; Reported using an alternate transcript of the gene

Blueprint Genetics
Classification: Likely benign. Last evaluated: 2021-12-03. Review status: criteria provided, single submitter. Criteria: ACMG Guidelines, 2015. Collection method: clinical testing. Allele origin: germline.